The following is an entry in ClinVar:

ClinVar aggregate classification (germline): Pathogenic (1 of 4 stars; one submission).

Submission:

Labcorp Genetics (formerly Invitae), Labcorp
Classification: Pathogenic. Last evaluated: 2023-05-15. Review status: criteria provided, single submitter. Criteria: Invitae Variant Classification Sherloc (09022015). Collection method: clinical testing. Allele origin: germline.
Comment: ClinVar contains an entry for this variant (Variation ID: 841513). This variant has not been reported in the literature in individuals affected with CTNNA1-related conditions. This variant is not present in population databases (gnomAD no frequency). This sequence change creates a premature translational stop signal (p.Glu19*) in the CTNNA1 gene. It is expected to result in an absent or disrupted protein product. Loss-of-function variants in CTNNA1 are known to be pathogenic (PMID: 32051609, 34425242). For these reasons, this variant has been classified as Pathogenic.

Literature cited by the submitters: PubMed 32051609; PubMed 34425242.

NM_001903.5(CTNNA1):c.53_54dup (p.Glu19Ter)

Gene: CTNNA1 (catenin alpha 1; plus strand). Cytogenetic location: 5q31.2.
Variant type: Duplication.
Coding change: c.53_54dup on transcript NM_001903.5 (MANE Select); coding-DNA positions 53 to 54, 2 bases duplicated (TA; older notation c.53_54dupTA).
Protein change: p.Glu19Ter; replaces glutamic acid 19 with a stop codon.
Molecular consequence: nonsense. On other transcripts: 5 prime UTR variant (2).
Genome position (GRCh38, 1-based): chr5:138,781,977-138,781,978, TA duplicated. VCF-style (leftmost placement, unchanged base first): chr5-138781976-C-CTA. GRCh37 (hg19) VCF-style: chr5-138117665-C-CTA.
Other names: c.53_54dup, p.Glu19Ter (NM_001290307.3, NM_001323982.2, NM_001323983.1 and 3 more transcripts); c.-61_-60dup (NM_001290309.3); c.-154_-153dup (NM_001290310.3); short protein forms E19*.
Identifiers: ClinVar variation 841513 (VCV000841513.8), dbSNP rs1755161249, ClinGen allele CA916082778.